The following is an entry in ClinVar:

NM_024101.7(MLPH):c.479G>A (p.Gly160Glu)

Gene: MLPH (melanophilin; plus strand). Cytogenetic location: 2q37.3.
Variant type: single nucleotide variant.
Coding change: c.479G>A on transcript NM_024101.7 (MANE Select); coding-DNA position 479, G replaced by A.
Protein change: p.Gly160Glu; replaces glycine 160 with glutamic acid.
Molecular consequence: missense variant. On other transcripts: non-coding transcript variant (1).
Genome position (GRCh38, 1-based): chr2:237,518,572, G>A. VCF-style: chr2-237518572-G-A. GRCh37 (hg19) VCF-style: chr2-238427215-G-A.
Other names: c.479G>A, p.Gly160Glu (NM_001042467.3, NM_001281473.2, NM_001281474.2); short protein forms G160E.
Identifiers: ClinVar variation 1302485 (VCV001302485.8), dbSNP rs139288665, ClinGen allele CA2190233.

ClinVar aggregate classification (germline): Conflicting classifications of pathogenicity. Review status: criteria provided, conflicting classifications (1 of 4 stars). 3 submissions from 3 submitters: Uncertain significance (2); Likely benign (1). Last evaluated 2026-10-09.

Allele frequency attached by ClinVar (database versions not stated): ESP Exome Variant Server 0.00100; gnomAD exomes 0.00087 and 0.00093; ExAC 0.00096; TOPMed 0.00072; gnomAD 0.00105 and 0.00099.
gnomAD v4.1: 1,418 of 1,613,764 alleles (0.088%); highest among the groups gnomAD compares: Non-Finnish European, 0.1%; 3 homozygotes.

Submissions (5):

GeneDx
Classification: Uncertain significance. Last evaluated: 2026-10-09. Review status: criteria provided, single submitter. Criteria: GeneDx Variant Classification Process June 2021. Collection method: clinical testing. Allele origin: germline.
Comment: In silico analysis supports that this missense variant has a deleterious effect on protein structure/function; Has not been previously published as pathogenic or benign to our knowledge; This variant is associated with the following publications: (PMID: 31275557)

Labcorp Genetics (formerly Invitae), Labcorp
Classification: Uncertain significance. Last evaluated: 2025-01-02. Review status: criteria provided, single submitter. Criteria: Invitae Variant Classification Sherloc (09022015). Collection method: clinical testing. Allele origin: germline.
Comment: This sequence change replaces glycine, which is neutral and non-polar, with glutamic acid, which is acidic and polar, at codon 160 of the MLPH protein (p.Gly160Glu). This variant is present in population databases (rs139288665, gnomAD 0.2%), and has an allele count higher than expected for a pathogenic variant. This variant has not been reported in the literature in individuals affected with MLPH-related conditions. ClinVar contains an entry for this variant (Variation ID: 1302485). Invitae Evidence Modeling of protein sequence and biophysical properties (such as structural, functional, and spatial information, amino acid conservation, physicochemical variation, residue mobility, and thermodynamic stability) has been performed for this missense variant. However, the output from this modeling did not meet the statistical confidence thresholds required to predict the impact of this variant on MLPH protein function. In summary, the available evidence is currently insufficient to determine the role of this variant in disease. Therefore, it has been classified as a Variant of Uncertain Significance.

Blueprint Genetics
Classification: Likely benign. Last evaluated: 2024-11-26. Review status: criteria provided, single submitter. Criteria: ACMG Guidelines, 2015. Collection method: clinical testing. Allele origin: germline.

Dr. Peter K. Rogan Lab, Western University
No classification provided (evidence only). Condition: Colon adenocarcinoma. Review status: no classification provided. Collection method: in vitro. Allele origin: not applicable. Functional consequence: retained intron. Not counted in ClinVar's aggregate classification.

Dr. Peter K. Rogan Lab, Western University
No classification provided (evidence only). Condition: Gastric cancer. Review status: no classification provided. Collection method: in vitro. Allele origin: not applicable. Functional consequence: retained intron. Not counted in ClinVar's aggregate classification.